The following is an entry in ClinVar:

ClinVar aggregate classification (germline): Uncertain significance. Review status: criteria provided, multiple submitters, no conflicts (2 of 4 stars). 2 submissions from 2 submitters: Uncertain significance (2). Last evaluated 2025-04-16.

Conditions:
Gorlin syndrome. Also called: Basal cell nevus syndrome; Nevoid Basal Cell Carcinoma Syndrome. Identifiers: Orphanet 377, MedGen C0004779, MONDO:0007187.
Medulloblastoma (MDB). Also called: MEDULLOBLASTOMA PREDISPOSITION SYNDROME; Medulloblastoma, somatic. Identifiers: Orphanet 616, MedGen C0025149, MeSH D008527, MONDO:0007959, OMIM 155255, HP:0002885.
Hereditary cancer-predisposing syndrome. Also called: Hereditary neoplastic syndrome; Hereditary Cancer Syndrome; Neoplastic Syndromes, Hereditary; Tumor predisposition. Identifiers: Orphanet 140162, MedGen C0027672, MeSH D009386, MONDO:0015356.

Submissions (2):

Ambry Genetics
Classification: Uncertain significance for Hereditary cancer-predisposing syndrome. Last evaluated: 2025-04-16. Review status: criteria provided, single submitter. Criteria: Ambry Variant Classification Scheme 2023. Collection method: clinical testing. Allele origin: germline.
Comment: The p.E106Q variant (also known as c.316G>C), located in coding exon 2 of the SUFU gene, results from a G to C substitution at nucleotide position 316. The glutamic acid at codon 106 is replaced by glutamine, an amino acid with highly similar properties. This amino acid position is highly conserved in available vertebrate species. In addition, the in silico prediction for this alteration is inconclusive. Based on the available evidence, the clinical significance of this variant remains unclear.

Labcorp Genetics (formerly Invitae), Labcorp
Classification: Uncertain significance for Gorlin syndrome; Medulloblastoma. Last evaluated: 2021-08-06. Review status: criteria provided, single submitter. Criteria: Invitae Variant Classification Sherloc (09022015). Collection method: clinical testing. Allele origin: germline.
Comment: This variant has not been reported in the literature in individuals affected with SUFU-related conditions. This variant is not present in population databases (ExAC no frequency). This sequence change replaces glutamic acid with glutamine at codon 106 of the SUFU protein (p.Glu106Gln). The glutamic acid residue is highly conserved and there is a small physicochemical difference between glutamic acid and glutamine. In summary, the available evidence is currently insufficient to determine the role of this variant in disease. Therefore, it has been classified as a Variant of Uncertain Significance. Algorithms developed to predict the effect of missense changes on protein structure and function (SIFT, PolyPhen-2, Align-GVGD) all suggest that this variant is likely to be tolerated.

NM_016169.4(SUFU):c.316G>C (p.Glu106Gln)

Gene: SUFU (SUFU negative regulator of hedgehog signaling; plus strand). Cytogenetic location: 10q24.32.
Variant type: single nucleotide variant.
Coding change: c.316G>C on transcript NM_016169.4 (MANE Select); coding-DNA position 316, G replaced by C.
Protein change: p.Glu106Gln; replaces glutamic acid 106 with glutamine.
Molecular consequence: missense variant.
Genome position (GRCh38, 1-based): chr10:102,509,302, G>C. VCF-style: chr10-102509302-G-C. GRCh37 (hg19) VCF-style: chr10-104269059-G-C.
Other names: c.316G>C, p.Glu106Gln (NM_001178133.2); c.316G>C (NM_016169.3); short protein forms E106Q.
Identifiers: ClinVar variation 1372945 (VCV001372945.7), dbSNP rs1040654062, ClinGen allele CA377889272.
Genomic context (GRCh38, chr10:102,509,302, plus strand): 5'-GAGCACTGGCACTACATCAGCTTCGGCCTGAGTGATCTCTATGGTGACAACAGAGTCCAT[G>C]AGTGAGTATATGCCACCTGTTCTTTATCCAGAGCCTTATTCCTGAGGTCTTCCTGAGCAG-3'
Protein context (NP_057253.2, residues 96-116): SDLYGDNRVH[Glu106Gln]FTGTDGPSGF